The following is an entry in ClinVar:

NM_007186.6(CEP250):c.1441G>A (p.Val481Met)

Genes: CEP250 (centrosomal protein 250; plus strand), CEP250-AS1 (CEP250 antisense RNA 1; minus strand). Cytogenetic location: 20q11.22.
Variant type: single nucleotide variant.
Coding change: c.1441G>A on transcript NM_007186.6 (MANE Select); coding-DNA position 1441, G replaced by A.
Protein change: p.Val481Met; replaces valine 481 with methionine.
Molecular consequence: missense variant. On other transcripts: 5 prime UTR variant (1).
Genome position (GRCh38, 1-based): chr20:35,473,922, G>A. VCF-style: chr20-35473922-G-A. GRCh37 (hg19) VCF-style: chr20-34061747-G-A.
Other names: c.-459G>A (NM_001318219.1); short protein forms V481M.
Identifiers: ClinVar variation 853664 (VCV000853664.7), dbSNP rs748465305, ClinGen allele CA9832931.

ClinVar aggregate classification (germline): Uncertain significance (1 of 4 stars; one submission).

Allele frequency attached by ClinVar (database versions not stated): gnomAD exomes below 0.00001 and 0.00001; ExAC 0.00001.

Submission:

Labcorp Genetics (formerly Invitae), Labcorp
Classification: Uncertain significance. Last evaluated: 2021-07-27. Review status: criteria provided, single submitter. Criteria: Invitae Variant Classification Sherloc (09022015). Collection method: clinical testing. Allele origin: germline.
Comment: In summary, the available evidence is currently insufficient to determine the role of this variant in disease. Therefore, it has been classified as a Variant of Uncertain Significance. Algorithms developed to predict the effect of missense changes on protein structure and function are either unavailable or do not agree on the potential impact of this missense change (SIFT: "Not Available"; PolyPhen-2: "Probably Damaging"; Align-GVGD: "Not Available"). This variant has not been reported in the literature in individuals with CEP250-related conditions. This variant is present in population databases (rs748465305, ExAC 0.002%). This sequence change replaces valine with methionine at codon 481 of the CEP250 protein (p.Val481Met). The valine residue is moderately conserved and there is a small physicochemical difference between valine and methionine.